The following is an entry in ClinVar:

NM_000135.4(FANCA):c.2033C>T (p.Ala678Val)

Gene: FANCA (FA complementation group A; minus strand). Cytogenetic location: 16q24.3.
Variant type: single nucleotide variant.
Coding change: c.2033C>T on transcript NM_000135.4 (MANE Select); coding-DNA position 2033, C replaced by T.
Protein change: p.Ala678Val; replaces alanine 678 with valine.
Molecular consequence: missense variant.
Genome position (GRCh38, 1-based): chr16:89,771,796, G>A on the plus strand (C>T on the coding strand, the complement: FANCA is on the minus strand). VCF-style: chr16-89771796-G-A. GRCh37 (hg19) VCF-style: chr16-89838204-G-A.
Other names: c.2033C>T, p.Ala678Val (NM_001286167.3); short protein forms A678V.
Identifiers: ClinVar variation 4870855 (VCV004870855.1).

ClinVar aggregate classification (germline): Uncertain significance (1 of 4 stars; one submission).

Conditions:
Inborn genetic diseases. Identifiers: MedGen C0950123, MeSH D030342.

gnomAD v4.1: 2 of 1,613,946 alleles (0.00012%); highest among the groups gnomAD compares: Non-Finnish European, 0.00017%; no homozygotes.

Submission:

Ambry Genetics
Classification: Uncertain significance for Inborn genetic diseases. Last evaluated: 2026-04-30. Review status: criteria provided, single submitter. Criteria: Ambry Variant Classification Scheme 2023. Collection method: clinical testing. Allele origin: germline.
Comment: The p.A678V variant (also known as c.2033C>T), located in coding exon 23 of the FANCA gene, results from a C to T substitution at nucleotide position 2033. The alanine at codon 678 is replaced by valine, an amino acid with similar properties. This amino acid position is conserved. In addition, the in silico prediction for this alteration is inconclusive. Based on the available evidence, the clinical significance of this variant remains unclear.